The following is an entry in ClinVar:

ClinVar aggregate classification (germline): Uncertain significance (1 of 4 stars; one submission).

Conditions:
Long QT syndrome (LQTS). Identifiers: MedGen C0023976, MeSH D008133, MONDO:0002442. Disease mechanism: loss of function. Inheritance: Various modes of inheritance.

gnomAD v4.1: 3 of 1,596,314 alleles (0.00019%); highest among the groups gnomAD compares: Non-Finnish European, 0.00026%; no homozygotes.

Submission:

Labcorp Genetics (formerly Invitae), Labcorp
Classification: Uncertain significance for Long QT syndrome. Last evaluated: 2025-01-15. Review status: criteria provided, single submitter. Criteria: Invitae Variant Classification Sherloc (09022015). Collection method: clinical testing. Allele origin: germline.
Comment: This sequence change replaces asparagine, which is neutral and polar, with serine, which is neutral and polar, at codon 524 of the CACNA1C protein (p.Asn524Ser). This variant is not present in population databases (gnomAD no frequency). This variant has not been reported in the literature in individuals affected with CACNA1C-related conditions. ClinVar contains an entry for this variant (Variation ID: 1985312). Invitae Evidence Modeling of protein sequence and biophysical properties (such as structural, functional, and spatial information, amino acid conservation, physicochemical variation, residue mobility, and thermodynamic stability) indicates that this missense variant is not expected to disrupt CACNA1C protein function with a negative predictive value of 80%. In summary, the available evidence is currently insufficient to determine the role of this variant in disease. Therefore, it has been classified as a Variant of Uncertain Significance.

NM_000719.7(CACNA1C):c.1571A>G (p.Asn524Ser)

Gene: CACNA1C (calcium voltage-gated channel subunit alpha1 C; plus strand). Cytogenetic location: 12p13.33.
Variant type: single nucleotide variant.
Coding change: c.1571A>G on transcript NM_000719.7 (MANE Select); coding-DNA position 1571, A replaced by G.
Protein change: p.Asn524Ser; replaces asparagine 524 with serine.
Molecular consequence: missense variant.
Genome position (GRCh38, 1-based): chr12:2,566,484, A>G. VCF-style: chr12-2566484-A-G. GRCh37 (hg19) VCF-style: chr12-2675650-A-G.
Other names: c.1571A>G, p.Asn524Ser (NM_001129827.2, NM_001129829.2, NM_001129830.3 and 18 more transcripts); c.1562A>G, p.Asn521Ser (NM_001129844.2); short protein forms N521S, N524S.
Identifiers: ClinVar variation 1985312 (VCV001985312.4), dbSNP rs2154593336, ClinGen allele CA383368515.